The following is an entry in ClinVar:

NM_177972.3(TUB):c.537G>A (p.Gln179=)

Genes: RIC3 (RIC3 acetylcholine receptor chaperone; minus strand), TUB (TUB bipartite transcription factor; plus strand). Cytogenetic location: 11p15.4.
Variant type: single nucleotide variant.
Coding change: c.537G>A on transcript NM_177972.3 (MANE Select); coding-DNA position 537, G replaced by A.
Protein change: p.Gln179=; no amino-acid change (glutamine 179 retained).
Molecular consequence: synonymous variant.
Genome position (GRCh38, 1-based): chr11:8,095,637, G>A. VCF-style: chr11-8095637-G-A. GRCh37 (hg19) VCF-style: chr11-8117184-G-A.
Other names: c.702G>A, p.Gln234= (NM_003320.5).
Identifiers: ClinVar variation 3357444 (VCV003357444.1).

ClinVar aggregate classification (germline): Likely benign (0 of 4 stars; one submission).

Conditions:
TUB-related disorder. Also called: TUB-related condition.

Submission:

PreventionGenetics, part of Exact Sciences
Classification: Likely benign for TUB-related condition. Last evaluated: 2021-06-16. Review status: no assertion criteria provided. Collection method: clinical testing. Allele origin: germline.
Comment: This variant is classified as likely benign based on ACMG/AMP sequence variant interpretation guidelines (Richards et al. 2015 PMID: 25741868, with internal and published modifications).